The following is an entry in ClinVar:

NC_000006.11:g.(51752044_51768394)_(51774273_51776596)del

Gene: PKHD1 (PKHD1 ciliary IPT domain containing fibrocystin/polyductin; minus strand). Cytogenetic location: 6p12.3.
Variant type: Deletion.
Identifiers: ClinVar variation 1677074 (VCV001677074.1).

ClinVar aggregate classification (germline): Likely pathogenic (1 of 4 stars; one submission).

Conditions:
Autosomal recessive polycystic kidney disease (ARPKD). Also called: AR polycystic kidney disease. Identifiers: Orphanet 731, Orphanet 8378, MedGen C0085548, MeSH D017044, MONDO:0009889.

Submission:

Women's Health and Genetics/Laboratory Corporation of America, LabCorp
Classification: Likely pathogenic for Autosomal recessive polycystic kidney disease. Last evaluated: 2022-03-09. Review status: criteria provided, single submitter. Criteria: LabCorp Variant Classification Summary - May 2015. Collection method: clinical testing. Allele origin: germline.
Comment: Variant summary: The variant identified by MLPA or other technology involves the deletion of exons 40-43 in the PKHD1 gene. A presumed nomenclature of c.(6490+1_6491-1)_(6996+1_6997-1)del has been designated for the purposes of this classification. Although exact breakpoints of this deletion are not known, it is expected to result in a frameshift in the PKHD1 gene, a known mechanism of disease. The variant was absent in 21642 control chromosomes (gnomAD SVs, Structural Variants dataset). To our knowledge, no occurrence of c.(6490+1_6491-1)_(6996+1_6997-1)del in individuals affected with Polycystic Kidney And Hepatic Disease and no experimental evidence demonstrating its impact on protein function have been reported. No clinical diagnostic laboratories have submitted clinical-significance assessments for this variant to ClinVar after 2014. Based on the evidence outlined above, the variant was classified as likely pathogenic.